The following is an entry in ClinVar:

NM_006492.3(ALX3):c.160T>A (p.Cys54Ser)

Gene: ALX3 (ALX homeobox 3; minus strand). Cytogenetic location: 1p13.3.
Variant type: single nucleotide variant.
Coding change: c.160T>A on transcript NM_006492.3 (MANE Select); coding-DNA position 160, T replaced by A.
Protein change: p.Cys54Ser; replaces cysteine 54 with serine.
Molecular consequence: missense variant.
Genome position (GRCh38, 1-based): chr1:110,070,453, A>T on the plus strand (T>A on the coding strand, the complement: ALX3 is on the minus strand). VCF-style: chr1-110070453-A-T. GRCh37 (hg19) VCF-style: chr1-110613075-A-T.
Other names: short protein forms C54S.
Identifiers: ClinVar variation 4695994 (VCV004695994.1).

ClinVar aggregate classification (germline): Uncertain significance (1 of 4 stars; one submission).

Submission:

Labcorp Genetics (formerly Invitae), Labcorp
Classification: Uncertain significance. Last evaluated: 2025-08-03. Review status: criteria provided, single submitter. Criteria: Invitae Variant Classification Sherloc (09022015). Collection method: clinical testing. Allele origin: germline.
Comment: This sequence change replaces cysteine, which is neutral and slightly polar, with serine, which is neutral and polar, at codon 54 of the ALX3 protein (p.Cys54Ser). The frequency data for this variant in the population databases is considered unreliable, as metrics indicate poor data quality at this position in the gnomAD database. This variant has not been reported in the literature in individuals affected with ALX3-related conditions. An algorithm developed to predict the effect of missense changes on protein structure and function (PolyPhen-2) suggests that this variant is likely to be tolerated. In summary, the available evidence is currently insufficient to determine the role of this variant in disease. Therefore, it has been classified as a Variant of Uncertain Significance.